The following is an entry in ClinVar:

NM_000254.3(MTR):c.2021G>A (p.Arg674His)

Gene: MTR (5-methyltetrahydrofolate-homocysteine methyltransferase; plus strand). Cytogenetic location: 1q43.
Variant type: single nucleotide variant.
Coding change: c.2021G>A on transcript NM_000254.3 (MANE Select); coding-DNA position 2021, G replaced by A.
Protein change: p.Arg674His; replaces arginine 674 with histidine.
Molecular consequence: missense variant.
Genome position (GRCh38, 1-based): chr1:236,859,900, G>A. VCF-style: chr1-236859900-G-A. GRCh37 (hg19) VCF-style: chr1-237023200-G-A.
Other names: c.2021G>A, p.Arg674His (NM_001291939.1); c.800G>A, p.Arg267His (NM_001291940.2); short protein forms R674H, R267H.
Identifiers: ClinVar variation 1362256 (VCV001362256.6), dbSNP rs774231870, ClinGen allele CA39750691.

ClinVar aggregate classification (germline): Likely pathogenic (1 of 4 stars; one submission).

Conditions:
Methylcobalamin deficiency type cblG (HMAG). Also called: HOMOCYSTINURIA-MEGALOBLASTIC ANEMIA, cblG COMPLEMENTATION TYPE; HOMOCYSTINURIA-MEGALOBLASTIC ANEMIA, cblG TYPE; HOMOCYSTINURIA-MEGALOBLASTIC ANEMIA DUE TO DEFECT IN COBALAMIN METABOLISM, cblG COMPLEMENTATION TYPE; Functional methionine synthase deficiency type cblG. Identifiers: Orphanet 2170, Orphanet 622, MedGen C1855128, MONDO:0009609, OMIM 250940.

Allele frequency attached by ClinVar (database versions not stated): TOPMed below 0.00001.
gnomAD v4.1: 2 of 1,613,870 alleles (0.00012%); highest among the groups gnomAD compares: Non-Finnish European, 0.00017%; no homozygotes.

Submission:

Labcorp Genetics (formerly Invitae), Labcorp
Classification: Likely pathogenic for Methylcobalamin deficiency type cblG. Last evaluated: 2023-12-04. Review status: criteria provided, single submitter. Criteria: Invitae Variant Classification Sherloc (09022015). Collection method: clinical testing. Allele origin: germline.
Comment: This sequence change replaces arginine, which is basic and polar, with histidine, which is basic and polar, at codon 674 of the MTR protein (p.Arg674His). This variant is not present in population databases (gnomAD no frequency). This missense change has been observed in individual(s) with cobalamin G deficiency (Invitae). ClinVar contains an entry for this variant (Variation ID: 1362256). Advanced modeling of protein sequence and biophysical properties (such as structural, functional, and spatial information, amino acid conservation, physicochemical variation, residue mobility, and thermodynamic stability) performed at Invitae indicates that this missense variant is expected to disrupt MTR protein function with a positive predictive value of 80%. This variant disrupts the p.Arg674 amino acid residue in MTR. Other variant(s) that disrupt this residue have been determined to be pathogenic (Invitae). This suggests that this residue is clinically significant, and that variants that disrupt this residue are likely to be disease-causing. In summary, the currently available evidence indicates that the variant is pathogenic, but additional data are needed to prove that conclusively. Therefore, this variant has been classified as Likely Pathogenic.